The following is an entry in ClinVar:

ClinVar aggregate classification (germline): Conflicting classifications of pathogenicity. Review status: criteria provided, conflicting classifications (1 of 4 stars). 9 submissions from 9 submitters: Uncertain significance (2); Benign (1); Likely benign (5). 1 of the submissions does not count toward it. Last evaluated 2026-05-01.

Conditions:
Pseudohypoaldosteronism type 2C (PHA2C). Also called: Pseudohypoaldosteronism Type IIC. Identifiers: Orphanet 757, Orphanet 88940, MedGen C1840391, MONDO:0013778, OMIM 614492.
Inborn genetic diseases. Identifiers: MedGen C0950123, MeSH D030342.
Neuropathy, hereditary sensory and autonomic, type 2A (HSAN2A). Also called: MORVAN DISEASE; NEUROPATHY, CONGENITAL SENSORY; NEUROPATHY, HEREDITARY SENSORY RADICULAR, AUTOSOMAL RECESSIVE; NEUROPATHY, HEREDITARY SENSORY, TYPE IIA; NEUROPATHY, PROGRESSIVE SENSORY, OF CHILDREN; ACROOSTEOLYSIS, GIACCAI TYPE. Identifiers: Orphanet 970, MedGen C2752089, MONDO:0024309, OMIM 201300.
WNK1-related disorder. Also called: WNK1-related condition.

Allele frequency attached by ClinVar (database versions not stated): ExAC 0.00076; gnomAD exomes 0.00079 and 0.00141; 1000 Genomes Project 0.00080; gnomAD 0.00086; 1000 Genomes Project 30x 0.00094; TOPMed 0.00109; ESP Exome Variant Server 0.00115.
gnomAD v4.1: 2,179 of 1,614,144 alleles (0.13%); highest among the groups gnomAD compares: Non-Finnish European, 0.17%; 2 homozygotes.

Submissions (9):

CeGaT Center for Human Genetics Tuebingen
Classification: Likely benign. Last evaluated: 2026-05-01. Review status: criteria provided, single submitter. Criteria: CeGaT Center For Human Genetics Tuebingen Variant Classification Criteria Version 2. Collection method: clinical testing. Allele origin: germline. Affected: yes. Observed: 5 variant alleles.
Comment: WNK1: BP4, BS1

Labcorp Genetics (formerly Invitae), Labcorp
Classification: Likely benign for Neuropathy, hereditary sensory and autonomic, type 2A; Pseudohypoaldosteronism type 2C. Last evaluated: 2026-02-01. Review status: criteria provided, single submitter. Criteria: Invitae Variant Classification Sherloc (09022015). Collection method: clinical testing. Allele origin: germline.

Women's Health and Genetics/Laboratory Corporation of America, LabCorp
Classification: Likely benign. Last evaluated: 2025-05-20. Review status: criteria provided, single submitter. Criteria: LabCorp Variant Classification Summary - May 2015. Collection method: clinical testing. Allele origin: germline.
Comment: Variant summary: WNK1 c.1855A>G (p.Thr619Ala) results in a non-conservative amino acid change in the encoded protein sequence. Algorithms developed to predict the effect of missense changes on protein structure and function are either unavailable or do not agree on the potential impact of this missense change. The variant allele was found at a frequency of 0.00079 in 250818 control chromosomes, predominantly at a frequency of 0.0013 within the Non-Finnish European subpopulation in the gnomAD database. The observed variant frequency within Non-Finnish European control individuals in the gnomAD database is approximately 1.2-fold of the estimated maximal expected allele frequency for a pathogenic variant in WNK1 causing Neuropathy, hereditary sensory and autonomic, type 2A phenotype (0.0011), suggesting the variant may be benign. To our knowledge, no occurrence of c.1855A>G in individuals affected with Neuropathy, hereditary sensory and autonomic, type 2A and no experimental evidence demonstrating its impact on protein function have been reported. ClinVar contains an entry for this variant (Variation ID: 310741). Based on the evidence outlined above, the variant was classified as likely benign.

Mayo Clinic Laboratories, Mayo Clinic
Classification: Likely benign. Last evaluated: 2025-02-11. Review status: criteria provided, single submitter. Criteria: ACMG Guidelines, 2015. Collection method: clinical testing. Allele origin: germline. Observed: 5 variant alleles.
Comment: BS1, BP4

Blueprint Genetics
Classification: Likely benign. Last evaluated: 2024-10-21. Review status: criteria provided, single submitter. Criteria: ACMG Guidelines, 2015. Collection method: clinical testing. Allele origin: germline.

ARUP Laboratories, Molecular Genetics and Genomics, ARUP Laboratories
Classification: Uncertain significance. Last evaluated: 2024-09-17. Review status: criteria provided, single submitter. Criteria: ARUP Molecular Germline Variant Investigation Process 2024. Collection method: clinical testing. Allele origin: germline.
Comment: The WNK1 c.1855A>G; p.Thr619Ala variant (rs149388376), to our knowledge, is not reported in the medical literature but is reported in ClinVar (Variation ID: 310741). This variant is found in the non-Finnish European population with an overall allele frequency of 0.13% (168/128,558 alleles) in the Genome Aggregation Database (v2.1.1). Computational analyses predict that this variant is neutral (REVEL: 0.078). However, due to limited information, the clinical significance of the p.Thr619Ala variant is uncertain at this time.

Ambry Genetics
Classification: Uncertain significance for Inborn genetic diseases. Last evaluated: 2022-03-11. Review status: criteria provided, single submitter. Criteria: Ambry Variant Classification Scheme 2023. Collection method: clinical testing. Allele origin: germline.
Comment: The p.T619A variant (also known as c.1855A>G), located in coding exon 7 of the WNK1 gene, results from an A to G substitution at nucleotide position 1855. The threonine at codon 619 is replaced by alanine, an amino acid with similar properties. This amino acid position is not well conserved in available vertebrate species, and alanine is the reference amino acid in other vertebrate species. In addition, this alteration is predicted to be tolerated by in silico analysis. Since supporting evidence is limited at this time, the clinical significance of this alteration remains unclear.

Illumina Laboratory Services, Illumina
Classification: Benign for Pseudohypoaldosteronism type 2C. Last evaluated: 2018-01-13. Review status: criteria provided, single submitter. Criteria: ICSL Variant Classification Criteria 13 December 2019. Collection method: clinical testing. Allele origin: germline.
Comment: This variant was observed in the ICSL laboratory as part of a predisposition screen in an ostensibly healthy population. It had not been previously curated by ICSL or reported in the Human Gene Mutation Database (HGMD: prior to June 1st, 2018), and was therefore a candidate for classification through an automated scoring system. Utilizing variant allele frequency, disease prevalence and penetrance estimates, and inheritance mode, an automated score was calculated to assess if this variant is too frequent to cause the disease. Based on the score and internal cut-off values, a variant classified as benign is not then subjected to further curation. The score for this variant resulted in a classification of benign for this disease.

PreventionGenetics, part of Exact Sciences
Classification: Likely benign for WNK1-related condition. Last evaluated: 2022-02-11. Review status: no assertion criteria provided. Collection method: clinical testing. Allele origin: germline. Not counted in ClinVar's aggregate classification.
Comment: This variant is classified as likely benign based on ACMG/AMP sequence variant interpretation guidelines (Richards et al. 2015 PMID: 25741868, with internal and published modifications).

NM_018979.4(WNK1):c.1855A>G (p.Thr619Ala)

Gene: WNK1 (WNK lysine deficient protein kinase 1; plus strand). Cytogenetic location: 12p13.33.
Variant type: single nucleotide variant.
Coding change: c.1855A>G on transcript NM_018979.4 (MANE Select); coding-DNA position 1855, A replaced by G.
Protein change: p.Thr619Ala; replaces threonine 619 with alanine.
Molecular consequence: missense variant.
Genome position (GRCh38, 1-based): chr12:861,247, A>G. VCF-style: chr12-861247-A-G. GRCh37 (hg19) VCF-style: chr12-970413-A-G.
Other names: p.Thr619Ala; c.1855A>G, p.Thr619Ala (NM_001184985.2, NM_014823.3, NM_213655.5); short protein forms T619A.
Identifiers: ClinVar variation 310741 (VCV000310741.55), dbSNP rs149388376, ClinGen allele CA6382044.
Genomic context (GRCh38, chr12:861,247, plus strand): 5'-TCCCAGACAGGAATCAAGCAGCTCCCTTCTGCTAGCACCGGCATACCTACTGCTTCTACC[A>G]CTTCAGCTTCAGTTTCTACACAAGTAGAACCTGAAGAACCTGAGGCAGATCAACATCAAC-3'
Protein context (NP_061852.3, residues 609-629): ASTGIPTAST[Thr619Ala]SASVSTQVEP